The following is an entry in ClinVar:

NM_201384.3(PLEC):c.4526G>A (p.Arg1509His)

Gene: PLEC (plectin; minus strand). Cytogenetic location: 8q24.3.
Variant type: single nucleotide variant.
Coding change: c.4526G>A on transcript NM_201384.3 (MANE Select); coding-DNA position 4526, G replaced by A.
Protein change: p.Arg1509His; replaces arginine 1509 with histidine.
Molecular consequence: missense variant.
Genome position (GRCh38, 1-based): chr8:143,925,403, C>T on the plus strand (G>A on the coding strand, the complement: PLEC is on the minus strand). VCF-style: chr8-143925403-C-T. GRCh37 (hg19) VCF-style: chr8-144999571-C-T.
Other names: c.4607G>A, p.Arg1536His (NM_000445.5); c.4484G>A, p.Arg1495His (NM_201378.4); c.4460G>A, p.Arg1487His (NM_201379.3); c.4937G>A, p.Arg1646His (NM_201380.4); c.4430G>A, p.Arg1477His (NM_201381.3); c.4526G>A, p.Arg1509His (NM_201382.4); c.4538G>A, p.Arg1513His (NM_201383.3); short protein forms R1477H, R1487H, R1495H, R1509H, R1513H, R1536H, R1646H.
Identifiers: ClinVar variation 196762 (VCV000196762.16), dbSNP rs782666455, ClinGen allele CA244074.

ClinVar aggregate classification (germline): Uncertain significance. Review status: criteria provided, multiple submitters, no conflicts (2 of 4 stars). 6 submissions from 6 submitters: Uncertain significance (6). Last evaluated 2026-01-18.

Conditions:
PLEC-related disorder. Also called: PLEC-related condition; PLEC-related disorders.
Epidermolysis bullosa simplex 5B, with muscular dystrophy (EBS5B). Also called: EPIDERMOLYSIS BULLOSA SIMPLEX AND LIMB-GIRDLE MUSCULAR DYSTROPHY; Epidermolysis bullosa simplex with muscular dystrophy. Identifiers: Orphanet 257, MedGen C2931072, MONDO:0009181, OMIM 226670.
Junctional epidermolysis bullosa with pyloric atresia. Also called: ITGB4-Related Epidermolysis Bullosa with Pyloric Atresia; APLASIA CUTIS CONGENITA WITH GASTROINTESTINAL ATRESIA; CARMI SYNDROME; EB-PA-ACC; Epidermolysis bullosa, junctional, with pyloric atresia and aplasia cutis congenita; Epidermolysis bullosa junctionalis with pyloric atresia. Identifiers: Orphanet 79403, MedGen C5676875, MONDO:0009183, OMIM 226730.
Epidermolysis bullosa simplex, Ogna type (EBS5A). Also called: Pidermolysis bullosa simplex 5A, Ogna type; EPIDERMOLYSIS BULLOSA SIMPLEX 5A, OGNA TYPE. Identifiers: Orphanet 79401, MedGen C0432317, MONDO:0007555, OMIM 131950.
Autosomal recessive limb-girdle muscular dystrophy type 2Q (LGMDR17). Also called: MUSCULAR DYSTROPHY, LIMB-GIRDLE, AUTOSOMAL RECESSIVE 17. Identifiers: Orphanet 254361, MedGen C3150989, MONDO:0013390, OMIM 613723.
Epidermolysis bullosa simplex with nail dystrophy (EBS5D). Identifiers: MedGen C4225309, MONDO:0014661, OMIM 616487.
Epidermolysis bullosa simplex 5C, with pyloric atresia (EBS5C). Also called: PLEC-Related Epidermolysis Bullosa with Pyloric Atresia; Epidermolysis bullosa simplex with pyloric atresia; PLEC1-Related Epidermolysis Bullosa with Pyloric Atresia. Identifiers: Orphanet 158684, MedGen C2677349, MONDO:0012807, OMIM 612138.
Inborn genetic diseases. Identifiers: MedGen C0950123, MeSH D030342.

Allele frequency attached by ClinVar (database versions not stated): gnomAD exomes 0.00021 and 0.00041; TOPMed 0.00023; gnomAD 0.00025 and 0.00028; ExAC 0.00035.
gnomAD v4.1: 620 of 1,589,734 alleles (0.039%); highest among the groups gnomAD compares: East Asian, 0.049%; 1 homozygote.

Submissions (6):

Labcorp Genetics (formerly Invitae), Labcorp
Classification: Uncertain significance for Autosomal recessive limb-girdle muscular dystrophy type 2Q; Epidermolysis bullosa simplex, Ogna type; Epidermolysis bullosa simplex with nail dystrophy; Epidermolysis bullosa simplex 5C, with pyloric atresia; Epidermolysis bullosa simplex 5B, with muscular dystrophy. Last evaluated: 2026-01-18. Review status: criteria provided, single submitter. Criteria: Invitae Variant Classification Sherloc (09022015). Collection method: clinical testing. Allele origin: germline.
Comment: This sequence change replaces arginine, which is basic and polar, with histidine, which is basic and polar, at codon 1536 of the PLEC protein (p.Arg1536His). This variant is present in population databases (rs782666455, gnomAD 0.04%). This variant has not been reported in the literature in individuals affected with PLEC-related conditions. ClinVar contains an entry for this variant (Variation ID: 196762). Invitae Evidence Modeling of protein sequence and biophysical properties (such as structural, functional, and spatial information, amino acid conservation, physicochemical variation, residue mobility, and thermodynamic stability) has been performed for this missense variant. However, the output from this modeling did not meet the statistical confidence thresholds required to predict the impact of this variant on PLEC protein function. In summary, the available evidence is currently insufficient to determine the role of this variant in disease. Therefore, it has been classified as a Variant of Uncertain Significance.

PreventionGenetics, part of Exact Sciences
Classification: Uncertain significance for PLEC-related condition. Last evaluated: 2025-12-30. Review status: criteria provided, single submitter. Criteria: ACMG Guidelines, 2015. Collection method: clinical testing. Allele origin: germline.
Comment: The PLEC c.4607G>A variant is predicted to result in the amino acid substitution p.Arg1536His. To our knowledge, this variant has not been reported in the literature. This variant is reported in 0.035% of alleles in individuals of European (Non-Finnish) descent in gnomAD. Although we suspect that this variant may be benign, at this time, the clinical significance of this variant is uncertain due to the absence of conclusive functional and genetic evidence.

Ambry Genetics
Classification: Uncertain significance for Inborn genetic diseases. Last evaluated: 2021-07-06. Review status: criteria provided, single submitter. Criteria: Ambry Variant Classification Scheme 2023. Collection method: clinical testing. Allele origin: germline.

Fulgent Genetics
Classification: Uncertain significance for Epidermolysis bullosa simplex, Ogna type; Epidermolysis bullosa simplex 5B, with muscular dystrophy; Junctional epidermolysis bullosa with pyloric atresia; Epidermolysis bullosa simplex 5C, with pyloric atresia; Autosomal recessive limb-girdle muscular dystrophy type 2Q; Epidermolysis bullosa simplex with nail dystrophy. Last evaluated: 2018-10-31. Review status: criteria provided, single submitter. Criteria: ACMG Guidelines, 2015. Collection method: clinical testing. Allele origin: unknown.

Athena Diagnostics
Classification: Uncertain significance. Last evaluated: 2018-02-22. Review status: criteria provided, single submitter. Criteria: Athena Diagnostics Criteria. Collection method: clinical testing. Allele origin: germline.

Eurofins Ntd Llc (ga)
Classification: Uncertain significance. Last evaluated: 2017-10-18. Review status: criteria provided, single submitter. Criteria: EGL Classification Definitions 2015. Collection method: clinical testing. Allele origin: germline. Observed: 3 variant alleles, 3 heterozygotes.